The following is an entry in ClinVar:

NM_000038.6(APC):c.5879_5880delinsTA (p.Pro1960Leu)

Gene: APC (APC regulator of Wnt signaling pathway; plus strand). Cytogenetic location: 5q22.2.
Variant type: Indel.
Coding change: c.5879_5880delinsTA on transcript NM_000038.6 (MANE Select); coding-DNA positions 5879 to 5880, CG replaced by TA.
Protein change: p.Pro1960Leu; replaces proline 1960 with leucine.
Molecular consequence: missense variant.
Genome position (GRCh38, 1-based): chr5:112,841,473-112,841,474, CG replaced by TA. VCF-style: chr5-112841473-CG-TA. GRCh37 (hg19) VCF-style: chr5-112177170-CG-TA.
Other names: p.P1960L:CCG>CTA; c.5030_5031delinsTA, p.Pro1677Leu (NM_001354906.2); c.5879_5880delinsTA, p.Pro1960Leu (NM_001127510.3, NM_001354895.2); c.5825_5826delinsTA, p.Pro1942Leu (NM_001127511.3); c.5933_5934delinsTA, p.Pro1978Leu (NM_001354896.2); c.5909_5910delinsTA, p.Pro1970Leu (NM_001354897.2); c.5804_5805delinsTA, p.Pro1935Leu (NM_001354898.2); c.5795_5796delinsTA, p.Pro1932Leu (NM_001354899.2); and 6 more; short protein forms P1834L, P1919L, P1970L, P1800L, P1932L, P1942L, P1901L, P1935L.
Identifiers: ClinVar variation 127309 (VCV000127309.31), dbSNP rs587779801, ClinGen allele CA010751.

ClinVar aggregate classification (germline): Conflicting classifications of pathogenicity. Review status: criteria provided, conflicting classifications (1 of 4 stars). 8 submissions from 8 submitters: Uncertain significance (6); Likely benign (1). 1 of the submissions does not count toward it. Last evaluated 2026-01-28.

Conditions:
APC-related disorder. Also called: APC-related condition.
Hereditary cancer-predisposing syndrome. Also called: Neoplastic Syndromes, Hereditary; Tumor predisposition; Hereditary Cancer Syndrome; Hereditary neoplastic syndrome. Identifiers: Orphanet 140162, MedGen C0027672, MeSH D009386, MONDO:0015356.
Familial adenomatous polyposis 1 (FAP1). Also called: FAMILIAL ADENOMATOUS POLYPOSIS 1, ATTENUATED; POLYPOSIS, ADENOMATOUS INTESTINAL. Identifiers: MedGen C2713442, MONDO:0021056, OMIM 175100. Disease mechanism: loss of function.

Submissions (8):

Labcorp Genetics (formerly Invitae), Labcorp
Classification: Uncertain significance for Familial adenomatous polyposis 1. Last evaluated: 2026-01-28. Review status: criteria provided, single submitter. Criteria: Invitae Variant Classification Sherloc (09022015). Collection method: clinical testing. Allele origin: germline.
Comment: This sequence change replaces proline, which is neutral and non-polar, with leucine, which is neutral and non-polar, at codon 1960 of the APC protein (p.Pro1960Leu). This variant is present in population databases (rs587779801, gnomAD 0.003%). This missense change has been observed in individual(s) with colorectal cancer (PMID: 27978560, 28135145). ClinVar contains an entry for this variant (Variation ID: 127309). An algorithm developed to predict the effect of missense changes on protein structure and function (PolyPhen-2) suggests that this variant is likely to be disruptive. In summary, the available evidence is currently insufficient to determine the role of this variant in disease. Therefore, it has been classified as a Variant of Uncertain Significance.

PreventionGenetics, part of Exact Sciences
Classification: Uncertain significance for APC-related condition. Last evaluated: 2025-12-23. Review status: criteria provided, single submitter. Criteria: ACMG Guidelines, 2015. Collection method: clinical testing. Allele origin: germline.
Comment: The APC c.5879_5880delinsTA variant is predicted to result in an in-frame deletion and insertion. To our knowledge this variant has not been reported in the literature or population databases, indicating that it is rare. However, a different variant leading to the same amino acid substitution has been reported with uncertain significance in patients with colorectal cancer (eTable 2, Pearlman et al. 2017. PubMed ID: 27978560; Table A4, Yurgelun et al. 2017. PubMed ID: 28135145). The c.5879C>T (p.Pro1960Leu) variant does not exhibit strong association with breast cancer risk by multivariate logistics regression analysis (reported as rs587779801 in Table 1, Panigoro et al. 2021. PubMed ID: 34967580) and has been classified as likely benign and variant of uncertain significance in Clinvar (Variation ID: 141168). The c.5879_5880delinsTA, which also leads to the p.Pro1960Leu variant, has been interpreted in ClinVar as uncertain and likely benign (Variation ID: 127309). At this time, the clinical significance of this variant is uncertain due to the absence of conclusive functional and genetic evidence.

Color Diagnostics, LLC DBA Color Health
Classification: Uncertain significance for Hereditary cancer-predisposing syndrome. Last evaluated: 2025-12-16. Review status: criteria provided, single submitter. Criteria: ACMG Guidelines, 2015. Collection method: clinical testing. Allele origin: germline.
Comment: This missense variant replaces proline with leucine at codon 1960 of the APC protein. To our knowledge, functional studies have not been reported for this variant. This variant has not been reported in individuals affected with APC-related disorders in the literature. A different DNA change with the same protein effect, c.5879C>T (p.Pro1960Leu), has been reported in individuals affected with colon cancer (PMID: 27978560, 28135145). This variant has not been identified in the general population by the Genome Aggregation Database (gnomAD). The available evidence is insufficient to determine the role of this variant in disease conclusively. Therefore, this variant is classified as a Variant of Uncertain Significance.

GeneDx
Classification: Uncertain significance. Last evaluated: 2024-09-19. Review status: criteria provided, single submitter. Criteria: GeneDx Variant Classification Process June 2021. Collection method: clinical testing. Allele origin: germline. Affected: yes.
Comment: While this variant has not been previously reported as pathogenic or benign to our knowledge, another variant resulting in the same amino acid substitution, APC c.5879C>T, has been reported in at least two individuals with colon cancer (PMID: 27978560, 28135145); In silico analysis supports a deleterious effect on protein structure/function; Not observed at significant frequency in large population cohorts (gnomAD); This variant is associated with the following publications: (PMID: 27978560, 28135145, 18199528)

Ambry Genetics
Classification: Likely benign for Hereditary cancer-predisposing syndrome. Last evaluated: 2021-01-22. Review status: criteria provided, single submitter. Criteria: Ambry Variant Classification Scheme 2023. Collection method: clinical testing. Allele origin: germline.

Women's Health and Genetics/Laboratory Corporation of America, LabCorp
Classification: Uncertain significance. Last evaluated: 2020-08-24. Review status: criteria provided, single submitter. Criteria: LabCorp Variant Classification Summary - May 2015. Collection method: clinical testing. Allele origin: germline.
Comment: Variant summary: APC c.5879_5880delinsTA (p.Pro1960Leu) results in a non-conservative amino acid change in the encoded protein sequence. Four of five in-silico tools predict a damaging effect of the variant on protein function. The variant was absent in 282224 control chromosomes (gnomAD). However, it has been reported in the database as two separate single nucleotide changes: 5-112177170-C-T (missense) and 5-112177171-G-A (synonymous polymorphism). The available data on variant occurrences in the general population are insufficient to allow any conclusion about variant significance. To our knowledge, no occurrence of c.5879_5880delinsTA in individuals affected with Familial Adenomatous Polyposis and no experimental evidence demonstrating its impact on protein function have been reported. Six ClinVar submitters (evaluation after 2014) cite the variant as uncertain significance. Based on the evidence outlined above, the variant was classified as uncertain significance.

Quest Diagnostics Nichols Institute San Juan Capistrano
Classification: Uncertain significance. Last evaluated: 2019-03-08. Review status: criteria provided, single submitter. Criteria: Quest Diagnostics criteria. Collection method: clinical testing. Allele origin: germline.

Counsyl
Classification: Uncertain significance for Familial adenomatous polyposis 1. Last evaluated: 2016-07-13. Review status: no assertion criteria provided. Collection method: clinical testing. Allele origin: unknown. Not counted in ClinVar's aggregate classification.

Literature cited by the submitters: PubMed 27978560 (cited by 4 submitters); PubMed 28135145 (cited by 4 submitters); PubMed 14616385 (cited by Counsyl).